The following is an entry in ClinVar:

NM_014795.4(ZEB2):c.2501del (p.Lys834fs)

Gene: ZEB2 (zinc finger E-box binding homeobox 2; minus strand). Cytogenetic location: 2q22.3.
Variant type: Deletion.
Coding change: c.2501del on transcript NM_014795.4 (MANE Select); coding-DNA position 2501, one base deleted (A; older notation c.2501delA).
Protein change: p.Lys834fs; shifts the reading frame from lysine 834.
Molecular consequence: frameshift variant.
Genome position (GRCh38, 1-based): chr2:144,398,686, T deleted on the plus strand (A on the coding strand, the reverse complement: ZEB2 is on the minus strand); the first of 3 consecutive T bases (chr2:144,398,686-144,398,688); deleting any one gives the same sequence. VCF-style (leftmost placement, unchanged base first): chr2-144398685-CT-C. GRCh37 (hg19) VCF-style: chr2-145156252-CT-C.
Other names: c.2429del, p.Lys810fs (NM_001171653.2); short protein forms K810fs, K834fs.
Identifiers: ClinVar variation 160322 (VCV000160322.9), dbSNP rs587784565, ClinGen allele CA272826.

ClinVar aggregate classification (germline): Pathogenic. Review status: criteria provided, multiple submitters, no conflicts (2 of 4 stars). 3 submissions from 3 submitters: Pathogenic (3). Last evaluated 2021-11-07.

Conditions:
Mowat-Wilson syndrome (MOWS). Also called: Classic Mowat-Wilson Syndrome. Identifiers: Orphanet 2152, MedGen C1856113, MONDO:0009341, OMIM 235730.

Submissions (3):

Genome-Nilou Lab
Classification: Pathogenic for Mowat-Wilson syndrome. Last evaluated: 2021-11-07. Review status: criteria provided, single submitter. Criteria: ACMG Guidelines, 2015. Collection method: clinical testing. Allele origin: germline. Affected: no.

GeneDx
Classification: Pathogenic. Last evaluated: 2017-09-28. Review status: criteria provided, single submitter. Criteria: GeneDx Variant Classification (06012015). Collection method: clinical testing. Allele origin: germline. Affected: yes.
Comment: The c.2501delA variant in the ZEB2 gene has been reported previously in a patient with Mowat-Wilson syndrome, however, additional clinical and familial segregation information was not provided (Dastot-Le et al., 2007). The c.2501delA variant causes a frameshift starting with codon Lysine 834, changes this amino acid to an Arginine residue, and creates a premature Stop codon at position 11 of the new reading frame, denoted p.Lys834ArgfsX11. This variant is predicted to cause loss of normal protein function either through protein truncation or nonsense-mediated mRNA decay. The c.2501delA variant is not observed in large population cohorts (Lek et al., 2016). We interpret c.2501delA as a pathogenic variant.

Genetic Services Laboratory, University of Chicago
Classification: Pathogenic for Mowat-Wilson syndrome. Last evaluated: 2013-02-08. Review status: criteria provided, single submitter. Criteria: ACMG Guidelines, 2007. Collection method: clinical testing. Allele origin: germline. Inheritance: Autosomal dominant inheritance. Affected: yes.